The following is an entry in ClinVar:

ClinVar aggregate classification (germline): Likely pathogenic (1 of 4 stars; one submission).

Conditions:
Autosomal recessive nonsyndromic hearing loss 77. Identifiers: Orphanet 90636, MedGen C2746083, MONDO:0013119, OMIM 613079.

Submission:

Natera, Inc.
Classification: Likely pathogenic for Autosomal recessive deafness type 77. Last evaluated: 2025-11-17. Review status: criteria provided, single submitter. Criteria: Natera Variant Classification Schema (03/2026). Collection method: clinical testing. Allele origin: germline.
Comment: The c.515_521dupATAAGTA variant in LOXHD1 is a frameshift variant predicted to shift the reading frame and introduce a stop codon. This variant is expected to result in nonsense mediated decay, truncation, or a dysfunctional protein product. This variant is rare in the general population with a frequency below the threshold expected for the associated phenotype(s). Given the available evidence, this variant is classified as Likely Pathogenic.

NM_001384474.1(LOXHD1):c.515_521dup (p.Tyr174Ter)

Gene: LOXHD1 (lipoxygenase homology PLAT domains 1; minus strand). Cytogenetic location: 18q21.1.
Variant type: Duplication.
Coding change: c.515_521dup on transcript NM_001384474.1 (MANE Select); coding-DNA positions 515 to 521, 7 bases duplicated (ATAAGTA; older notation c.515_521dupATAAGTA).
Protein change: p.Tyr174Ter; replaces tyrosine 174 with a stop codon.
Molecular consequence: nonsense.
Genome position (GRCh38, 1-based): chr18:46,618,281-46,618,287, TACTTAT duplicated on the plus strand (ATAAGTA on the coding strand, the reverse complement: LOXHD1 is on the minus strand); duplicating any 7 consecutive bases within chr18:46,618,281-46,618,290 gives the same sequence; the c. name uses the placement nearest the transcript's 3' end. VCF-style (leftmost placement, unchanged base first): chr18-46618280-A-ATACTTAT. GRCh37 (hg19) VCF-style: chr18-44198243-A-ATACTTAT.
Other names: c.515_521dup, p.Tyr174Ter (NM_144612.7); short protein forms Y174*.
Identifiers: ClinVar variation 4816837 (VCV004816837.1).